The following is an entry in ClinVar:

NM_001042492.3(NF1):c.5093C>G (p.Thr1698Ser)

Gene: NF1 (neurofibromin 1; plus strand). Cytogenetic location: 17q11.2.
Variant type: single nucleotide variant.
Coding change: c.5093C>G on transcript NM_001042492.3 (MANE Select); coding-DNA position 5093, C replaced by G.
Protein change: p.Thr1698Ser; replaces threonine 1698 with serine.
Molecular consequence: missense variant.
Genome position (GRCh38, 1-based): chr17:31,326,077, C>G. VCF-style: chr17-31326077-C-G. GRCh37 (hg19) VCF-style: chr17-29653095-C-G.
Other names: c.5030C>G, p.Thr1677Ser (NM_000267.4); short protein forms T1677S, T1698S.
Identifiers: ClinVar variation 231471 (VCV000231471.13), dbSNP rs769469854, ClinGen allele CA10580335.

ClinVar aggregate classification (germline): Uncertain significance. Review status: criteria provided, multiple submitters, no conflicts (2 of 4 stars). 4 submissions from 3 submitters: Uncertain significance (4). Last evaluated 2022-09-26.

Conditions:
Neurofibromatosis, type 1 (NF1). Also called: Neurofibromatosis, type I; VON RECKLINGHAUSEN DISEASE; NEUROFIBROMATOSIS, TYPE I, SOMATIC; Peripheral type neurofibromatosis. Identifiers: Orphanet 636, MedGen C0027831, MONDO:0018975, OMIM 162200. Disease mechanism: loss of function.
Hereditary cancer-predisposing syndrome. Also called: Hereditary Cancer Syndrome; Neoplastic Syndromes, Hereditary; Tumor predisposition; Hereditary neoplastic syndrome. Identifiers: Orphanet 140162, MedGen C0027672, MeSH D009386, MONDO:0015356.
Cardiovascular phenotype. Identifiers: MedGen CN230736.

Submissions (4):

Labcorp Genetics (formerly Invitae), Labcorp
Classification: Uncertain significance for Neurofibromatosis, type 1. Last evaluated: 2022-09-26. Review status: criteria provided, single submitter. Criteria: Invitae Variant Classification Sherloc (09022015). Collection method: clinical testing. Allele origin: germline.
Comment: In summary, the available evidence is currently insufficient to determine the role of this variant in disease. Therefore, it has been classified as a Variant of Uncertain Significance. ClinVar contains an entry for this variant (Variation ID: 231471). This variant has not been reported in the literature in individuals affected with NF1-related conditions. This variant is not present in population databases (gnomAD no frequency). This sequence change replaces threonine, which is neutral and polar, with serine, which is neutral and polar, at codon 1677 of the NF1 protein (p.Thr1677Ser). Advanced modeling of protein sequence and biophysical properties (such as structural, functional, and spatial information, amino acid conservation, physicochemical variation, residue mobility, and thermodynamic stability) performed at Invitae indicates that this missense variant is not expected to disrupt NF1 protein function.

Genome-Nilou Lab
Classification: Uncertain significance for Neurofibromatosis, type 1. Last evaluated: 2022-03-15. Review status: criteria provided, single submitter. Criteria: ACMG Guidelines, 2015. Collection method: clinical testing. Allele origin: germline. Affected: no.

Ambry Genetics
Classification: Uncertain significance for Cardiovascular phenotype; Hereditary cancer-predisposing syndrome. Last evaluated: 2018-06-13. Review status: criteria provided, single submitter. Criteria: Ambry Variant Classification Scheme 2023. Collection method: clinical testing. Allele origin: germline.

Ambry Genetics
Classification: Uncertain significance for Hereditary cancer-predisposing syndrome. Last evaluated: 2015-04-08. Review status: criteria provided, single submitter. Criteria: Ambry Autosomal Dominant and X-Linked criteria (10/2015). Collection method: clinical testing. Allele origin: germline. Observed: 1 variant allele.
Comment: The p.T1698S variant (also known as c.5093C>G), located in coding exon 37 of the NF1 gene, results from a C to G substitution at nucleotide position 5093. The threonine at codon 1698 is replaced by serine, an amino acid with similar properties. This variant was not reported in population based cohorts in the following databases: Database of Single Nucleotide Polymorphisms (dbSNP), NHLBI Exome Sequencing Project (ESP), and 1000 Genomes Project. In the ESP, this variant was not observed in 6503 samples (13006 alleles) with coverage at this position. To date, this alteration has been detected with an allele frequency of approximately 0.003% (greater than 30000alleles tested) in our clinical cohort.This amino acid position is highly conserved in available vertebrate species. In addition, the in silico prediction for this alteration is inconclusive.Since supporting evidence is limited at this time, the clinical significance of p.T1698Sremains unclear.